The following is an entry in ClinVar:

ClinVar aggregate classification (germline): Uncertain significance. Review status: criteria provided, multiple submitters, no conflicts (2 of 4 stars). 2 submissions from 2 submitters: Uncertain significance (2). Last evaluated 2022-05-22.

Conditions:
Autosomal recessive nonsyndromic hearing loss 37. Identifiers: Orphanet 90636, MedGen C1843028, MONDO:0011912, OMIM 607821.

gnomAD v4.1: 6 of 1,613,876 alleles (0.00037%); highest among the groups gnomAD compares: Non-Finnish European, 0.00051%; no homozygotes.

Submissions (2):

3billion
Classification: Uncertain significance for Autosomal recessive nonsyndromic hearing loss 37. Last evaluated: 2022-05-22. Review status: criteria provided, single submitter. Criteria: ACMG Guidelines, 2015. Collection method: clinical testing. Allele origin: germline. Affected: yes. Observed: 1 heterozygote.
Comment: The variant is observed at an extremely low frequency in the gnomAD v2.1.1 dataset (total allele frequency: <0.001%). In silico tool predictions suggest damaging effect of the variant on gene or gene product (REVEL: 0.71; 3Cnet: 0.29). Therefore, this variant is classified as uncertain significanceaccording to the recommendation of ACMG/AMP guideline.

Blueprint Genetics
Classification: Uncertain significance. Last evaluated: 2022-05-20. Review status: criteria provided, single submitter. Criteria: ACMG Guidelines, 2015. Collection method: clinical testing. Allele origin: germline.

NM_004999.4(MYO6):c.2375G>A (p.Arg792His)

Gene: MYO6 (myosin VI; plus strand). Cytogenetic location: 6q14.1.
Variant type: single nucleotide variant.
Coding change: c.2375G>A on transcript NM_004999.4 (MANE Select); coding-DNA position 2375, G replaced by A.
Protein change: p.Arg792His; replaces arginine 792 with histidine.
Molecular consequence: missense variant. On other transcripts: non-coding transcript variant (1).
Genome position (GRCh38, 1-based): chr6:75,881,777, G>A. VCF-style: chr6-75881777-G-A. GRCh37 (hg19) VCF-style: chr6-76591494-G-A.
Other names: c.2375G>A, p.Arg792His (NM_001300899.2, NM_001368136.1, NM_001368137.1 and 2 more transcripts); c.2360G>A, p.Arg787His (NM_001368138.1); short protein forms R787H, R792H.
Identifiers: ClinVar variation 1687620 (VCV001687620.2), dbSNP rs781458857, ClinGen allele CA364774434.
Genomic context (GRCh38, chr6:75,881,777, plus strand): 5'-CTGACCCTGACCACTTAGCAGAGTTGGTTAAAAGAGTCAATCACTGGCTCACATGCAGTC[G>A]CTGGAAGAAAGTTCAGTGGTGCTCACTCTCAGTCATCAAATGTAGGTGTTTTCCTTTACA-3'
Protein context (NP_004990.3, residues 782-802): KRVNHWLTCS[Arg792His]WKKVQWCSLS